The following is an entry in ClinVar:

ClinVar aggregate classification (germline): Uncertain significance. Review status: criteria provided, multiple submitters, no conflicts (2 of 4 stars). 2 submissions from 2 submitters: Uncertain significance (2). Last evaluated 2022-02-05.

Allele frequency attached by ClinVar (database versions not stated): gnomAD 0.00001 and 0.00003; gnomAD exomes 0.00002 and 0.00003; TOPMed 0.00002; ExAC 0.00003.
gnomAD v4.1: 36 of 1,605,066 alleles (0.0022%); highest among the groups gnomAD compares: South Asian, 0.032%; 1 homozygote.

Submissions (2):

Labcorp Genetics (formerly Invitae), Labcorp
Classification: Uncertain significance. Last evaluated: 2022-02-05. Review status: criteria provided, single submitter. Criteria: Invitae Variant Classification Sherloc (09022015). Collection method: clinical testing. Allele origin: germline.
Comment: This sequence change replaces arginine, which is basic and polar, with tryptophan, which is neutral and slightly polar, at codon 370 of the LIG1 protein (p.Arg370Trp). This variant is present in population databases (rs777105642, gnomAD 0.02%). This variant has not been reported in the literature in individuals affected with LIG1-related conditions. Algorithms developed to predict the effect of missense changes on protein structure and function (SIFT, PolyPhen-2, Align-GVGD) all suggest that this variant is likely to be disruptive. In summary, the available evidence is currently insufficient to determine the role of this variant in disease. Therefore, it has been classified as a Variant of Uncertain Significance.

Blueprint Genetics
Classification: Uncertain significance. Last evaluated: 2021-08-02. Review status: criteria provided, single submitter. Criteria: ACMG Guidelines, 2015. Collection method: clinical testing. Allele origin: germline.

NM_000234.3(LIG1):c.1108C>T (p.Arg370Trp)

Gene: LIG1 (DNA ligase 1; minus strand). Cytogenetic location: 19q13.33.
Variant type: single nucleotide variant.
Coding change: c.1108C>T on transcript NM_000234.3 (MANE Select); coding-DNA position 1108, C replaced by T.
Protein change: p.Arg370Trp; replaces arginine 370 with tryptophan.
Molecular consequence: missense variant. On other transcripts: non-coding transcript variant (6).
Genome position (GRCh38, 1-based): chr19:48,137,668, G>A on the plus strand (C>T on the coding strand, the complement: LIG1 is on the minus strand). VCF-style: chr19-48137668-G-A. GRCh37 (hg19) VCF-style: chr19-48640925-G-A.
Other names: c.1015C>T, p.Arg339Trp (NM_001289063.2); c.904C>T, p.Arg302Trp (NM_001289064.2); c.1105C>T, p.Arg369Trp (NM_001320970.2); c.1018C>T, p.Arg340Trp (NM_001320971.2); short protein forms R302W, R339W, R369W, R340W, R370W.
Identifiers: ClinVar variation 1473776 (VCV001473776.6), dbSNP rs777105642, ClinGen allele CA9546949.